The following is an entry in ClinVar:

NM_002661.5(PLCG2):c.2053A>C (p.Arg685=)

Gene: PLCG2 (phospholipase C gamma 2; plus strand). Cytogenetic location: 16q23.3.
Variant type: single nucleotide variant.
Coding change: c.2053A>C on transcript NM_002661.5 (MANE Select); coding-DNA position 2053, A replaced by C.
Protein change: p.Arg685=; no amino-acid change (arginine 685 retained).
Molecular consequence: synonymous variant.
Genome position (GRCh38, 1-based): chr16:81,912,715, A>C. VCF-style: chr16-81912715-A-C. GRCh37 (hg19) VCF-style: chr16-81946320-A-C.
Other names: c.2053A>C, p.Arg685= (NM_001425749.1, NM_001425750.1, NM_001425751.1).
Identifiers: ClinVar variation 3623544 (VCV003623544.2).

ClinVar aggregate classification (germline): Uncertain significance (1 of 4 stars; one submission).

Conditions:
Familial cold autoinflammatory syndrome 3 (FCAS3). Also called: ANTIBODY DEFICIENCY AND IMMUNE DYSREGULATION, PLCG2-ASSOCIATED; FAMILIAL ATYPICAL COLD URTICARIA. Identifiers: Orphanet 300359, MedGen C3280914, MONDO:0013766, OMIM 614468.

gnomAD v4.1: 8 of 1,602,086 alleles (0.0005%); highest among the groups gnomAD compares: Non-Finnish European, 0.00068%; no homozygotes.

Submission:

Labcorp Genetics (formerly Invitae), Labcorp
Classification: Uncertain significance for Familial cold autoinflammatory syndrome 3. Last evaluated: 2024-10-06. Review status: criteria provided, single submitter. Criteria: Invitae Variant Classification Sherloc (09022015). Collection method: clinical testing. Allele origin: germline.
Comment: This sequence change affects codon 685 of the PLCG2 mRNA. It is a 'silent' change, meaning that it does not change the encoded amino acid sequence of the PLCG2 protein. It affects a nucleotide within the consensus splice site. This variant is present in population databases (no rsID available, gnomAD 0.007%). This variant has not been reported in the literature in individuals affected with PLCG2-related conditions. Algorithms developed to predict the effect of sequence changes on RNA splicing suggest that this variant is not likely to affect RNA splicing. In summary, the available evidence is currently insufficient to determine the role of this variant in disease. Therefore, it has been classified as a Variant of Uncertain Significance.